The following is an entry in ClinVar:

ClinVar aggregate classification (germline): Likely pathogenic (1 of 4 stars; one submission).

Conditions:
COG6-related disorder.

Submission:

PreventionGenetics, part of Exact Sciences
Classification: Likely pathogenic for COG6-related condition. Last evaluated: 2026-05-14. Review status: criteria provided, single submitter. Criteria: ACMG Guidelines, 2015. Collection method: clinical testing. Allele origin: germline.
Comment: The COG6 c.382C>T variant is predicted to result in premature protein termination (p.Gln128*). To our knowledge, this variant has not been reported in the literature or in a large population database (gnomAD), indicating this variant is rare. Nonsense variants in COG6 are expected to be pathogenic. This variant is interpreted as likely pathogenic.

NM_020751.3(COG6):c.382C>T (p.Gln128Ter)

Gene: COG6 (component of oligomeric golgi complex 6; plus strand). Cytogenetic location: 13q14.11.
Variant type: single nucleotide variant.
Coding change: c.382C>T on transcript NM_020751.3 (MANE Select); coding-DNA position 382, C replaced by T.
Protein change: p.Gln128Ter; replaces glutamine 128 with a stop codon.
Molecular consequence: nonsense. On other transcripts: non-coding transcript variant (1).
Genome position (GRCh38, 1-based): chr13:39,665,108, C>T. VCF-style: chr13-39665108-C-T. GRCh37 (hg19) VCF-style: chr13-40239245-C-T.
Other names: c.382C>T, p.Gln128Ter (NM_001145079.2); short protein forms Q128*.
Identifiers: ClinVar variation 4982632 (VCV004982632.1).